The following is an entry in ClinVar:

NM_004046.6(ATP5F1A):c.1176+3A>G

Gene: ATP5F1A (ATP synthase F1 subunit alpha; minus strand). Cytogenetic location: 18q21.1.
Variant type: single nucleotide variant.
Coding change: c.1176+3A>G on transcript NM_004046.6 (MANE Select); 3 bases into the intron after coding-DNA position 1176, A replaced by G.
Molecular consequence: intron variant.
Genome position (GRCh38, 1-based): chr18:46,087,005, T>C on the plus strand (A>G on the coding strand, the complement: ATP5F1A is on the minus strand). VCF-style: chr18-46087005-T-C. GRCh37 (hg19) VCF-style: chr18-43666971-T-C.
Other names: c.1176+3A>G (NM_001001937.2); c.1110+3A>G (NM_001257334.2); c.1026+3A>G (NM_001001935.3, NM_001257335.2).
Identifiers: ClinVar variation 4719364 (VCV004719364.1).

ClinVar aggregate classification (germline): Uncertain significance (1 of 4 stars; one submission).

gnomAD v4.1: 1 of 1,613,528 alleles (0.000062%); no homozygotes.

Submission:

Labcorp Genetics (formerly Invitae), Labcorp
Classification: Uncertain significance. Last evaluated: 2025-07-03. Review status: criteria provided, single submitter. Criteria: Invitae Variant Classification Sherloc (09022015). Collection method: clinical testing. Allele origin: germline.
Comment: This sequence change falls in intron 9 of the ATP5A1 gene. It does not directly change the encoded amino acid sequence of the ATP5A1 protein. It affects a nucleotide within the consensus splice site. This variant is not present in population databases (gnomAD no frequency). This variant has not been reported in the literature in individuals affected with ATP5A1-related conditions. Variants that disrupt the consensus splice site are a relatively common cause of aberrant splicing (PMID: 17576681, 9536098). Algorithms developed to predict the effect of sequence changes on RNA splicing suggest that this variant may disrupt the consensus splice site. In summary, the available evidence is currently insufficient to determine the role of this variant in disease. Therefore, it has been classified as a Variant of Uncertain Significance.

Literature cited by the submitters: PubMed 17576681; PubMed 9536098.